The following is an entry in ClinVar:

ClinVar aggregate classification (germline): Uncertain significance (1 of 4 stars; one submission).

Allele frequency attached by ClinVar (database versions not stated): gnomAD 0.00001; gnomAD exomes 0.00001; TOPMed 0.00001.
gnomAD v4.1: 20 of 1,581,620 alleles (0.0013%); highest among the groups gnomAD compares: East Asian, 0.0023%; no homozygotes.

Submission:

CeGaT Center for Human Genetics Tuebingen
Classification: Uncertain significance. Last evaluated: 2023-08-01. Review status: criteria provided, single submitter. Criteria: CeGaT Center For Human Genetics Tuebingen Variant Classification Criteria Version 2. Collection method: clinical testing. Allele origin: germline. Affected: yes. Observed: 1 variant allele.
Comment: KIF1C: PM2

NM_006612.6(KIF1C):c.2294G>A (p.Arg765His)

Gene: KIF1C (kinesin family member 1C; plus strand). Cytogenetic location: 17p13.2.
Variant type: single nucleotide variant.
Coding change: c.2294G>A on transcript NM_006612.6 (MANE Select); coding-DNA position 2294, G replaced by A.
Protein change: p.Arg765His; replaces arginine 765 with histidine.
Molecular consequence: missense variant.
Genome position (GRCh38, 1-based): chr17:5,022,375, G>A. VCF-style: chr17-5022375-G-A. GRCh37 (hg19) VCF-style: chr17-4925670-G-A.
Other names: short protein forms R765H.
Identifiers: ClinVar variation 2647286 (VCV002647286.24), dbSNP rs1487403605, ClinGen allele CA397313540.